The following is an entry in ClinVar:

NM_022173.4(TIA1):c.48A>G (p.Arg16=)

Gene: TIA1 (TIA1 cytotoxic granule associated RNA binding protein; minus strand). Cytogenetic location: 2p13.3.
Variant type: single nucleotide variant.
Coding change: c.48A>G on transcript NM_022173.4 (MANE Select); coding-DNA position 48, A replaced by G.
Protein change: p.Arg16=; no amino-acid change (arginine 16 retained).
Molecular consequence: synonymous variant. On other transcripts: 5 prime UTR variant (7), non-coding transcript variant (16), intron variant (2).
Genome position (GRCh38, 1-based): chr2:70,236,154, T>C on the plus strand (A>G on the coding strand, the complement: TIA1 is on the minus strand). VCF-style: chr2-70236154-T-C. GRCh37 (hg19) VCF-style: chr2-70463286-T-C.
Other names: c.48A>G, p.Arg16= (NM_001351508.2, NM_001351509.2, NM_001351510.2 and 7 more transcripts); c.-64A>G (NM_001351511.1, NM_001351512.1, NM_001351513.1); c.-342A>G (NM_001351515.2); c.-591A>G (NM_001351517.2); c.-368A>G (NM_001351524.2); c.-406A>G (NM_001351525.2); c.-72-5300A>G (NM_001351514.2, NM_001351523.2).
Identifiers: ClinVar variation 704855 (VCV000704855.17), dbSNP rs115062005, ClinGen allele CA1697743.
Genomic context (GRCh38, chr2:70,236,154, plus strand): 5'-GCAGTTTTTACAAGGTCCAATCTGGCTAAAGAGTTGCAGAATTAGAGCTTCTGTCACATC[T>C]CTGGAAAGGTTACCGACGTATCTGAAACACAAAGAGAAACAATTTACCTTTTTTTTTTTT-3'
Protein context (NP_071505.2, residues 6-26): PKTLYVGNLS[Arg16=]DVTEALILQL

ClinVar aggregate classification (germline): Likely benign. Review status: criteria provided, multiple submitters, no conflicts (2 of 4 stars). 4 submissions from 4 submitters: Likely benign (4). Last evaluated 2026-02-01.

Conditions:
Welander distal myopathy (WDM). Also called: MUSCULAR DYSTROPHY, DISTAL, LATE-ONSET, AUTOSOMAL DOMINANT; Welander distal myopathy, Swedish type; Distal myopathy, Swedish type; Gower's muscular dystrophy. Identifiers: Orphanet 603, MedGen C0221054, MONDO:0011466, OMIM 604454.

Allele frequency attached by ClinVar (database versions not stated): 1000 Genomes Project 30x 0.00078; 1000 Genomes Project 0.00080; gnomAD exomes 0.00002 and 0.00004; ExAC 0.00007; gnomAD 0.00016 and 0.00017; TOPMed 0.00019; ESP Exome Variant Server 0.00031.
gnomAD v4.1: 51 of 1,611,250 alleles (0.0032%); highest among the groups gnomAD compares: African/African-American, 0.051%; no homozygotes.

Submissions (4):

CeGaT Center for Human Genetics Tuebingen
Classification: Likely benign. Last evaluated: 2026-02-01. Review status: criteria provided, single submitter. Criteria: CeGaT Center For Human Genetics Tuebingen Variant Classification Criteria Version 2. Collection method: clinical testing. Allele origin: germline. Affected: yes. Observed: 1 variant allele.
Comment: TIA1: BP4

Labcorp Genetics (formerly Invitae), Labcorp
Classification: Likely benign for Welander distal myopathy. Last evaluated: 2025-07-06. Review status: criteria provided, single submitter. Criteria: Invitae Variant Classification Sherloc (09022015). Collection method: clinical testing. Allele origin: germline.

Women's Health and Genetics/Laboratory Corporation of America, LabCorp
Classification: Likely benign. Last evaluated: 2025-05-08. Review status: criteria provided, single submitter. Criteria: LabCorp Variant Classification Summary - May 2015. Collection method: clinical testing. Allele origin: germline.

Breakthrough Genomics
Classification: Likely benign. Review status: criteria provided, single submitter. Criteria: ACMG Guidelines, 2015. Collection method: not provided. Allele origin: germline. Inheritance: Autosomal recessive inheritance. Affected: yes.